The following is an entry in ClinVar:

ClinVar aggregate classification (germline): Uncertain significance. Review status: criteria provided, multiple submitters, no conflicts (2 of 4 stars). 6 submissions from 6 submitters: Uncertain significance (6). Last evaluated 2025-11-25.

Conditions:
Hereditary cancer-predisposing syndrome. Also called: Neoplastic Syndromes, Hereditary; Tumor predisposition; Hereditary Cancer Syndrome; Hereditary neoplastic syndrome. Identifiers: Orphanet 140162, MedGen C0027672, MeSH D009386, MONDO:0015356.
Familial cancer of breast. Also called: BREAST CANCER, FAMILIAL; hereditary breast carcinoma; Hereditary breast cancer. Identifiers: Orphanet 227535, MedGen C0346153, MONDO:0016419, OMIM 114480. Disease mechanism: loss of function.

Allele frequency attached by ClinVar (database versions not stated): gnomAD 0.00001; gnomAD exomes 0.00001; ExAC 0.00002.
gnomAD v4.1: 5 of 1,613,690 alleles (0.00031%); highest among the groups gnomAD compares: African/African-American, 0.0013%; no homozygotes.

Submissions (6):

Labcorp Genetics (formerly Invitae), Labcorp
Classification: Uncertain significance for Familial cancer of breast. Last evaluated: 2025-11-25. Review status: criteria provided, single submitter. Criteria: Invitae Variant Classification Sherloc (09022015). Collection method: clinical testing. Allele origin: germline.
Comment: This sequence change replaces glutamine, which is neutral and polar, with arginine, which is basic and polar, at codon 20 of the CHEK2 protein (p.Gln20Arg). This variant is present in population databases (rs753257724, gnomAD 0.002%). This variant has not been reported in the literature in individuals affected with CHEK2-related conditions. ClinVar contains an entry for this variant (Variation ID: 232706). An algorithm developed to predict the effect of missense changes on protein structure and function (PolyPhen-2) suggests that this variant is likely to be disruptive. In summary, the available evidence is currently insufficient to determine the role of this variant in disease. Therefore, it has been classified as a Variant of Uncertain Significance.

GeneDx
Classification: Uncertain significance. Last evaluated: 2025-06-18. Review status: criteria provided, single submitter. Criteria: GeneDx Variant Classification Process June 2021. Collection method: clinical testing. Allele origin: germline. Affected: yes.
Comment: Not observed at significant frequency in large population cohorts (gnomAD); In silico analysis suggests that this missense variant does not alter protein structure/function; Absent from breast cancer cases but observed in control populations (PMID: 30287823); This variant is associated with the following publications: (PMID: 11733767, 22114986, 30287823, 36243179, 35886069)

Quest Diagnostics Nichols Institute San Juan Capistrano
Classification: Uncertain significance. Last evaluated: 2024-06-12. Review status: criteria provided, single submitter. Criteria: Quest Diagnostics criteria. Collection method: clinical testing. Allele origin: unknown.
Comment: The CHEK2 c.59A>G (p.Gln20Arg) variant has been reported in an individual with breast cancer (PMID: 35886069 (2022)). This variant has also been identified in reportedly healthy individuals (PMID: 30287823 (2018), 36243179 (2022)). The frequency of this variant in the general population, 0.0000081 (2/247598 chromosomes (Genome Aggregation Database)), is uninformative in the assessment of its pathogenicity. Analysis of this variant using bioinformatics tools for the prediction of the effect of amino acid changes on protein structure and function yielded conflicting predictions that this variant is benign or damaging. Based on the available information, we are unable to determine the clinical significance of this variant.

Ambry Genetics
Classification: Uncertain significance for Hereditary cancer-predisposing syndrome. Last evaluated: 2024-03-05. Review status: criteria provided, single submitter. Criteria: Ambry Variant Classification Scheme 2023. Collection method: clinical testing. Allele origin: germline.
Comment: The p.Q20R variant (also known as c.59A>G), located in coding exon 1 of the CHEK2 gene, results from an A to G substitution at nucleotide position 59. The glutamine at codon 20 is replaced by arginine, an amino acid with highly similar properties. This amino acid position is highly conserved in available vertebrate species. In addition, the in silico prediction for this alteration is inconclusive. Based on the available evidence, the clinical significance of this alteration remains unclear.

Color Diagnostics, LLC DBA Color Health
Classification: Uncertain significance for Hereditary cancer-predisposing syndrome. Last evaluated: 2021-05-10. Review status: criteria provided, single submitter. Criteria: ACMG Guidelines, 2015. Collection method: clinical testing. Allele origin: germline.
Comment: This missense variant replaces glutamine with arginine at codon 20 of the CHEK2 protein. Computational prediction suggests that this variant may not impact protein structure and function (internally defined REVEL score threshold <= 0.5, PMID: 27666373). To our knowledge, functional studies have not been reported for this variant. This variant has not been reported in individuals affected with hereditary cancer in the literature. This variant has been identified in 2/247598 chromosomes in the general population by the Genome Aggregation Database (gnomAD). The available evidence is insufficient to determine the role of this variant in disease conclusively. Therefore, this variant is classified as a Variant of Uncertain Significance.

Women's Health and Genetics/Laboratory Corporation of America, LabCorp
Classification: Uncertain significance. Last evaluated: 2017-09-19. Review status: criteria provided, single submitter. Criteria: LabCorp Variant Classification Summary - May 2015. Collection method: clinical testing. Allele origin: germline.
Comment: Variant summary: The c.59A>G (p.Gln20Arg) in CHEK2 gene is a missense variant involves a non-conserved nucleotide and 2/4 in silico tools predict benign outcome, however no functional studies supporting these predictions were published at the time of evaluation. The variant is located within the SQ/TQ cluster domain, although the functional impact of this change on protein remains unclear. The c.7984A>G is present in the control population datasets of ExAC and gnomAD at a low frequency of 0.000008 (2/ 242298 chrs tested), which does not exceed the maximum expected allele frequency for a pathogenic variant of 0.000028. To our knowledge, the variant has not been reported in affected individuals via published reports, but is cited as VUS by reputable databases/clinical laboratories. Taken together, the variant was classified as VUS, until new information becomes available.

Literature cited by the submitters: PubMed 30287823 (cited by Quest Diagnostics Nichols Institute San Juan Capistrano and Ambry Genetics); PubMed 36243179 (cited by Quest Diagnostics Nichols Institute San Juan Capistrano); PubMed 35886069 (cited by Quest Diagnostics Nichols Institute San Juan Capistrano).

NM_007194.4(CHEK2):c.59A>G (p.Gln20Arg)

Gene: CHEK2 (checkpoint kinase 2; minus strand). Cytogenetic location: 22q12.1.
Variant type: single nucleotide variant.
Coding change: c.59A>G on transcript NM_007194.4 (MANE Select); coding-DNA position 59, A replaced by G.
Protein change: p.Gln20Arg; replaces glutamine 20 with arginine.
Molecular consequence: missense variant.
Genome position (GRCh38, 1-based): chr22:28,734,663, T>C on the plus strand (A>G on the coding strand, the complement: CHEK2 is on the minus strand). VCF-style: chr22-28734663-T-C. GRCh37 (hg19) VCF-style: chr22-29130651-T-C.
Other names: c.59A>G, p.Gln20Arg (NM_001005735.3, NM_001349956.3, NM_145862.3); c.-719A>G (NM_001257387.3); short protein forms Q20R.
Identifiers: ClinVar variation 232706 (VCV000232706.24), dbSNP rs753257724, ClinGen allele CA10168080.
Genomic context (GRCh38, chr22:28,734,663, plus strand): 5'-CTGGATATGCCCTGGGACTGTGAGGAGGAGCCTTGGGACTGGGTAACGCTGCCATGGGGC[T>C]GTGAACAGGCACTGCTGCCATGAGACTGCTGAGCCTCAACATCCGACTCCCGAGACATCA-3'
Protein context (NP_009125.1, residues 10-30): QQSHGSSACS[Gln20Arg]PHGSVTQSQG